The following is an entry in ClinVar:

NM_000238.4(KCNH2):c.1771G>A (p.Asp591Asn)

Gene: KCNH2 (potassium voltage-gated channel subfamily H member 2; minus strand). Cytogenetic location: 7q36.1.
Variant type: single nucleotide variant.
Coding change: c.1771G>A on transcript NM_000238.4 (MANE Select); coding-DNA position 1771, G replaced by A.
Protein change: p.Asp591Asn; replaces aspartic acid 591 with asparagine.
Molecular consequence: missense variant.
Genome position (GRCh38, 1-based): chr7:150,951,622, C>T on the plus strand (G>A on the coding strand, the complement: KCNH2 is on the minus strand). VCF-style: chr7-150951622-C-T. GRCh37 (hg19) VCF-style: chr7-150648710-C-T.
Other names: c.751G>A, p.Asp251Asn (NM_001204798.2, NM_172057.3); c.1483G>A, p.Asp495Asn (NM_001406753.1, NM_001406756.1); c.1594G>A, p.Asp532Asn (NM_001406755.1); c.1471G>A, p.Asp491Asn (NM_001406757.1); c.1771G>A, p.Asp591Asn (NM_172056.3); short protein forms D591N, D251N, D495N, D532N, D491N.
Identifiers: ClinVar variation 911854 (VCV000911854.16), dbSNP rs376319070, ClinGen allele CA029445.

ClinVar aggregate classification (germline): Uncertain significance. Review status: criteria provided, multiple submitters, no conflicts (2 of 4 stars). 3 submissions from 3 submitters: Uncertain significance (3). Last evaluated 2023-12-04.

Conditions:
Cardiac arrhythmia. Also called: Arrhythmia; Cardiac rhythm disease. Identifiers: MedGen C0003811, MONDO:0007263, HP:0011675.
Long QT syndrome (LQTS). Identifiers: MedGen C0023976, MeSH D008133, MONDO:0002442. Disease mechanism: loss of function. Inheritance: Various modes of inheritance.
Long QT syndrome 2 (LQT2). Identifiers: Orphanet 101016, Orphanet 768, MedGen C3150943, MONDO:0013367, OMIM 613688.

Allele frequency attached by ClinVar (database versions not stated): TOPMed below 0.00001; ESP Exome Variant Server 0.00008.
gnomAD v4.1: 11 of 1,614,232 alleles (0.00068%); highest among the groups gnomAD compares: African/African-American, 0.0013%; no homozygotes.

Submissions (3):

Color Diagnostics, LLC DBA Color Health
Classification: Uncertain significance for Cardiac arrhythmia. Last evaluated: 2023-12-04. Review status: criteria provided, single submitter. Criteria: ACMG Guidelines, 2015. Collection method: clinical testing. Allele origin: germline.
Comment: This missense variant replaces aspartic acid with asparagine at codon 591 of the KCNH2 protein. Computational prediction tools and conservation analyses are inconclusive regarding the impact of this variant on protein structure and function. Splice site prediction tools suggest that this variant may not impact RNA splicing. To our knowledge, functional studies have not been performed for this variant. This variant has not been reported in individuals affected with cardiovascular disorders in the literature. This variant has been identified in 2/251396 chromosomes in the general population by the Genome Aggregation Database (gnomAD). The available evidence is insufficient to determine the role of this variant in disease conclusively. Therefore, this variant is classified as a Variant of Uncertain Significance.

Labcorp Genetics (formerly Invitae), Labcorp
Classification: Uncertain significance for Long QT syndrome. Last evaluated: 2022-10-17. Review status: criteria provided, single submitter. Criteria: Invitae Variant Classification Sherloc (09022015). Collection method: clinical testing. Allele origin: germline.
Comment: This sequence change replaces aspartic acid, which is acidic and polar, with asparagine, which is neutral and polar, at codon 591 of the KCNH2 protein (p.Asp591Asn). This variant is present in population databases (rs376319070, gnomAD 0.01%). This variant has not been reported in the literature in individuals affected with KCNH2-related conditions. ClinVar contains an entry for this variant (Variation ID: 911854). Algorithms developed to predict the effect of missense changes on protein structure and function (SIFT, PolyPhen-2, Align-GVGD) all suggest that this variant is likely to be tolerated. In summary, the available evidence is currently insufficient to determine the role of this variant in disease. Therefore, it has been classified as a Variant of Uncertain Significance.

Illumina Laboratory Services, Illumina
Classification: Uncertain significance for Long QT syndrome 2. Last evaluated: 2017-04-27. Review status: criteria provided, single submitter. Criteria: ICSL Variant Classification Criteria 13 December 2019. Collection method: clinical testing. Allele origin: germline.